The following is an entry in ClinVar:

NM_080546.5(SLC44A1):c.1964G>A (p.Ser655Asn)

Gene: SLC44A1 (solute carrier family 44 member 1; plus strand). Cytogenetic location: 9q31.1.
Variant type: single nucleotide variant.
Coding change: c.1964G>A on transcript NM_080546.5 (MANE Select); coding-DNA position 1964, G replaced by A.
Protein change: p.Ser655Asn; replaces serine 655 with asparagine.
Molecular consequence: missense variant. On other transcripts: intron variant (2).
Genome position (GRCh38, 1-based): chr9:105,389,046, G>A. VCF-style: chr9-105389046-G-A. GRCh37 (hg19) VCF-style: chr9-108151327-G-A.
Other names: p.Ser655Asn; c.1950+3544G>A (NM_001330731.2); c.1951-858G>A (NM_001286730.2); short protein forms S655N.
Identifiers: ClinVar variation 3379891 (VCV003379891.1).
Genomic context (GRCh38, chr9:105,389,046, plus strand): 5'-TAATGGTAATTGTCTAAGATTATACTCTGTATGACTTTGTTTTCTAGGCTTCGGGAGCAA[G>A]TTCTGCTTGAACCTAGCCGACGGTTATGGAAACCCATTGACATTCCAAAACAATATATAC-3'
Protein context (NP_536856.2, residues 645-657): RELKPMASGA[Ser655Asn]SA

ClinVar aggregate classification (germline): Uncertain significance (1 of 4 stars; one submission).

Submission:

Mayo Clinic Laboratories, Mayo Clinic
Classification: Uncertain significance. Last evaluated: 2023-12-27. Review status: criteria provided, single submitter. Criteria: ACMG Guidelines, 2015. Collection method: clinical testing. Allele origin: germline. Observed: 1 variant allele.
Comment: BP4, PM2_moderate